The following is an entry in ClinVar:

ClinVar aggregate classification (germline): Uncertain significance. Review status: criteria provided, multiple submitters, no conflicts (2 of 4 stars). 2 submissions from 2 submitters: Uncertain significance (2). Last evaluated 2021-01-24.

Conditions:
Hereditary cancer-predisposing syndrome. Also called: Neoplastic Syndromes, Hereditary; Hereditary Cancer Syndrome; Tumor predisposition; Hereditary neoplastic syndrome. Identifiers: Orphanet 140162, MedGen C0027672, MeSH D009386, MONDO:0015356.
Familial adenomatous polyposis 1 (FAP1). Also called: FAMILIAL ADENOMATOUS POLYPOSIS 1, ATTENUATED; POLYPOSIS, ADENOMATOUS INTESTINAL. Identifiers: MedGen C2713442, MONDO:0021056, OMIM 175100. Disease mechanism: loss of function.

Submissions (2):

Labcorp Genetics (formerly Invitae), Labcorp
Classification: Uncertain significance for Familial adenomatous polyposis 1. Last evaluated: 2021-01-24. Review status: criteria provided, single submitter. Criteria: Invitae Variant Classification Sherloc (09022015). Collection method: clinical testing. Allele origin: germline.
Comment: This sequence change replaces asparagine with serine at codon 920 of the APC protein (p.Asn920Ser). The asparagine residue is moderately conserved and there is a small physicochemical difference between asparagine and serine. This variant is not present in population databases (ExAC no frequency). This variant has not been reported in the literature in individuals with APC-related conditions. ClinVar contains an entry for this variant (Variation ID: 928394). Algorithms developed to predict the effect of missense changes on protein structure and function output the following: SIFT: "Tolerated"; PolyPhen-2: "Benign"; Align-GVGD: "Class C0". The serine amino acid residue is found in multiple mammalian species, suggesting that this missense change does not adversely affect protein function. These predictions have not been confirmed by published functional studies and their clinical significance is uncertain. In summary, the available evidence is currently insufficient to determine the role of this variant in disease. Therefore, it has been classified as a Variant of Uncertain Significance.

Color Diagnostics, LLC DBA Color Health
Classification: Uncertain significance for Hereditary cancer-predisposing syndrome. Last evaluated: 2019-06-04. Review status: criteria provided, single submitter. Criteria: ACMG Guidelines, 2015. Collection method: clinical testing. Allele origin: germline.

NM_000038.6(APC):c.2759A>G (p.Asn920Ser)

Gene: APC (APC regulator of Wnt signaling pathway; plus strand). Cytogenetic location: 5q22.2.
Variant type: single nucleotide variant.
Coding change: c.2759A>G on transcript NM_000038.6 (MANE Select); coding-DNA position 2759, A replaced by G.
Protein change: p.Asn920Ser; replaces asparagine 920 with serine.
Molecular consequence: missense variant.
Genome position (GRCh38, 1-based): chr5:112,838,353, A>G. VCF-style: chr5-112838353-A-G. GRCh37 (hg19) VCF-style: chr5-112174050-A-G.
Other names: c.2759A>G, p.Asn920Ser (NM_001127510.3, NM_001354895.2); c.2705A>G, p.Asn902Ser (NM_001127511.3); c.2813A>G, p.Asn938Ser (NM_001354896.2); c.2789A>G, p.Asn930Ser (NM_001354897.2); c.2684A>G, p.Asn895Ser (NM_001354898.2); c.2675A>G, p.Asn892Ser (NM_001354899.2); c.2636A>G, p.Asn879Ser (NM_001354900.2); c.2582A>G, p.Asn861Ser (NM_001354901.2); and 5 more; short protein forms N879S, N819S, N829S, N760S, N794S, N895S, N902S, N920S.
Identifiers: ClinVar variation 928394 (VCV000928394.10), dbSNP rs1765257361, ClinGen allele CA16027352.